The following is an entry in ClinVar:

NM_000426.4(LAMA2):c.535C>G (p.Leu179Val)

Gene: LAMA2 (laminin subunit alpha 2; plus strand). Cytogenetic location: 6q22.33.
Variant type: single nucleotide variant.
Coding change: c.535C>G on transcript NM_000426.4 (MANE Select); coding-DNA position 535, C replaced by G.
Protein change: p.Leu179Val; replaces leucine 179 with valine.
Molecular consequence: missense variant.
Genome position (GRCh38, 1-based): chr6:129,098,311, C>G. VCF-style: chr6-129098311-C-G. GRCh37 (hg19) VCF-style: chr6-129419456-C-G.
Other names: c.535C>G, p.Leu179Val (NM_001079823.2); c.535C>G (NM_000426.3); short protein forms L179V.
Identifiers: ClinVar variation 1447783 (VCV001447783.6), dbSNP rs1456652809, ClinGen allele CA365829330.

ClinVar aggregate classification (germline): Uncertain significance. Review status: criteria provided, multiple submitters, no conflicts (2 of 4 stars). 2 submissions from 2 submitters: Uncertain significance (2). Last evaluated 2026-08-13.

Conditions:
Inborn genetic diseases. Identifiers: MedGen C0950123, MeSH D030342.
LAMA2-related muscular dystrophy (LAMA2-RD). Also called: Laminin alpha 2-related dystrophy. Identifiers: MedGen C5679788, MONDO:0100228.

Allele frequency attached by ClinVar (database versions not stated): gnomAD exomes below 0.00001.
gnomAD v4.1: 8 of 1,614,072 alleles (0.0005%); highest among the groups gnomAD compares: African/African-American, 0.0053%; no homozygotes.

Submissions (2):

Ambry Genetics
Classification: Uncertain significance for Inborn genetic diseases. Last evaluated: 2026-08-13. Review status: criteria provided, single submitter. Criteria: Ambry Variant Classification Scheme 2023. Collection method: clinical testing. Allele origin: germline.

Labcorp Genetics (formerly Invitae), Labcorp
Classification: Uncertain significance for LAMA2-related muscular dystrophy. Last evaluated: 2024-12-09. Review status: criteria provided, single submitter. Criteria: Invitae Variant Classification Sherloc (09022015). Collection method: clinical testing. Allele origin: germline.
Comment: This sequence change replaces leucine, which is neutral and non-polar, with valine, which is neutral and non-polar, at codon 179 of the LAMA2 protein (p.Leu179Val). This variant is not present in population databases (gnomAD no frequency). This variant has not been reported in the literature in individuals affected with LAMA2-related conditions. ClinVar contains an entry for this variant (Variation ID: 1447783). Invitae Evidence Modeling of protein sequence and biophysical properties (such as structural, functional, and spatial information, amino acid conservation, physicochemical variation, residue mobility, and thermodynamic stability) indicates that this missense variant is not expected to disrupt LAMA2 protein function with a negative predictive value of 95%. In summary, the available evidence is currently insufficient to determine the role of this variant in disease. Therefore, it has been classified as a Variant of Uncertain Significance.